The following is an entry in ClinVar:

ClinVar aggregate classification (germline): Pathogenic/Likely pathogenic. Review status: criteria provided, multiple submitters, no conflicts (2 of 4 stars). 8 submissions from 8 submitters: Pathogenic (5); Likely pathogenic (2). 1 of the submissions does not count toward it. Last evaluated 2026-01-20.

Conditions:
CYBA-related disorder. Also called: CYBA-related condition.
Chronic granulomatous disease. Identifiers: Orphanet 379, MedGen C0018203, MONDO:0018305.
Granulomatous disease, chronic, autosomal recessive, cytochrome b-negative. Also called: CGD DUE TO DEFICIENCY OF THE ALPHA SUBUNIT OF CYTOCHROME b; CGD, AUTOSOMAL RECESSIVE CYTOCHROME b-NEGATIVE; CYBA DEFICIENCY; GRANULOMATOUS DISEASE, CHRONIC, AUTOSOMAL RECESSIVE, 4; Chronic granulomatous disease, autosomal, due to deficiency of CYBA. Identifiers: Orphanet 379, MedGen C1856255, MONDO:0009308, OMIM 233690.

Allele frequency attached by ClinVar (database versions not stated): gnomAD 0.00006; TOPMed 0.00006; ESP Exome Variant Server 0.00008.
gnomAD v4.1: 102 of 1,613,750 alleles (0.0063%); highest among the groups gnomAD compares: Non-Finnish European, 0.0075%; no homozygotes.

Submissions (8):

Labcorp Genetics (formerly Invitae), Labcorp
Classification: Pathogenic for Granulomatous disease, chronic, autosomal recessive, cytochrome b-negative. Last evaluated: 2026-01-20. Review status: criteria provided, single submitter. Criteria: Invitae Variant Classification Sherloc (09022015). Collection method: clinical testing. Allele origin: germline.
Comment: This sequence change replaces arginine, which is basic and polar, with tryptophan, which is neutral and slightly polar, at codon 90 of the CYBA protein (p.Arg90Trp). This variant is present in population databases (rs179363892, gnomAD 0.006%). This missense change has been observed in individual(s) with chronic granulomatous disease (PMID: 10910929, 20167518). In at least one individual the data is consistent with being in trans (on the opposite chromosome) from a pathogenic variant. ClinVar contains an entry for this variant (Variation ID: 68211). An algorithm developed to predict the effect of missense changes on protein structure and function (PolyPhen-2) suggests that this variant is likely to be disruptive. This variant disrupts the p.Arg90 amino acid residue in CYBA. Other variant(s) that disrupt this residue have been observed in individuals with CYBA-related conditions (PMID: 2243141, 20167518), which suggests that this may be a clinically significant amino acid residue. For these reasons, this variant has been classified as Pathogenic.

Natera, Inc.
Classification: Pathogenic for Chronic granulomatous disease. Last evaluated: 2025-07-21. Review status: criteria provided, single submitter. Criteria: Natera Variant Classification Schema (03/2026). Collection method: clinical testing. Allele origin: germline.
Comment: The c.268C>T variant in CYBA is a missense variant predicted to cause substitution of arginine to tryptophan at amino acid 90. This variant is rare in the general population with a frequency below the threshold expected for the associated phenotype(s). This variant has been observed in one or more individuals affected with the associated recessive disease, as either homozygous or compound heterozygous with a second variant (PMID: 33746979, 21058909, 10910929). Given the available evidence, this variant is classified as Pathogenic.

Revvity Omics, Revvity
Classification: Likely pathogenic for Granulomatous disease, chronic, autosomal recessive, cytochrome b-negative. Last evaluated: 2025-03-23. Review status: criteria provided, single submitter. Criteria: ACMG Guidelines, 2015. Collection method: clinical testing. Allele origin: germline.

PreventionGenetics, part of Exact Sciences
Classification: Likely pathogenic for CYBA-related condition. Last evaluated: 2024-11-21. Review status: criteria provided, single submitter. Criteria: ACMG Guidelines, 2015. Collection method: clinical testing. Allele origin: germline.
Comment: The CYBA c.268C>T variant is predicted to result in the amino acid substitution p.Arg90Trp. This variant has been reported in the homozygous and compound heterozygous states in multiple individuals with chronic granulomatous disease (see for examples, Rae et al. 2000. PubMed ID: 10910929; Arnadottir et al. 2018. PubMed ID: 30361506; Table S2, Rawat et al. 2021. PubMed ID: 33717137). This variant is reported in 0.0065% of alleles in individuals of South Asian descent in gnomAD. Alternate missense substitutions affecting the same amino acid (p.Arg90Gln, p.Arg90Gly, and p.Arg90Pro) have been reported in multiple individuals with chronic granulomatous disease (Roos et al. 2010. PubMed ID: 20167518; Table S2, Rawat et al. 2021. PubMed ID: 33717137). In summary, the c.268C>T (p.Arg90Trp) variant is interpreted as likely pathogenic.

Blueprint Genetics
Classification: Pathogenic for CYBA-related disorders. Last evaluated: 2024-11-07. Review status: criteria provided, single submitter. Criteria: ACMG Guidelines, 2015. Collection method: clinical testing. Allele origin: germline. Affected: yes. Observed: 4 variant alleles.

Fulgent Genetics
Classification: Pathogenic for Granulomatous disease, chronic, autosomal recessive, cytochrome b-negative. Last evaluated: 2024-06-20. Review status: criteria provided, single submitter. Criteria: ACMG Guidelines, 2015. Collection method: clinical testing. Allele origin: germline.

Women's Health and Genetics/Laboratory Corporation of America, LabCorp
Classification: Pathogenic for Chronic granulomatous disease. Last evaluated: 2021-11-12. Review status: criteria provided, single submitter. Criteria: LabCorp Variant Classification Summary - May 2015. Collection method: clinical testing. Allele origin: germline.
Comment: Variant summary: CYBA c.268C>T (p.Arg90Trp) results in a non-conservative amino acid change in the encoded protein sequence. Five of five in-silico tools predict a damaging effect of the variant on protein function. The variant allele was found at a frequency of 4e-05 in 251050 control chromosomes. This frequency is not significantly higher than expected for a pathogenic variant in CYBA causing Chronic Granulomatous Disease (4e-05 vs 0.00061), allowing no conclusion about variant significance. c.268C>T has been reported in the literature in multiple individuals affected with Chronic Granulomatous Disease (e.g. Rae_2000, Rawat_2021). These data indicate that the variant is very likely to be associated with disease. Two clinical diagnostic laboratories have submitted clinical-significance assessments for this variant to ClinVar after 2014 without evidence for independent evaluation. Both laboratories classified the variant as pathogenic. Based on the evidence outlined above, the variant was classified as pathogenic.

UniProtKB/Swiss-Prot
No classification provided. Review status: no classification provided. Collection method: not provided. Allele origin: germline. Not counted in ClinVar's aggregate classification.

Literature cited by the submitters: PubMed 10910929 (cited by 3 submitters); PubMed 20167518 (cited by Labcorp Genetics (formerly Invitae), Labcorp); PubMed 2243141 (cited by Labcorp Genetics (formerly Invitae), Labcorp); PubMed 33746979 (cited by Natera, Inc.); PubMed 21058909 (cited by Natera, Inc.); PubMed 33717137 (cited by Women's Health and Genetics/Laboratory Corporation of America, LabCorp).

NM_000101.4(CYBA):c.268C>T (p.Arg90Trp)

Gene: CYBA (cytochrome b-245 alpha chain; minus strand). Cytogenetic location: 16q24.2.
Variant type: single nucleotide variant.
Coding change: c.268C>T on transcript NM_000101.4 (MANE Select); coding-DNA position 268, C replaced by T.
Protein change: p.Arg90Trp; replaces arginine 90 with tryptophan.
Molecular consequence: missense variant.
Genome position (GRCh38, 1-based): chr16:88,646,774, G>A on the plus strand (C>T on the coding strand, the complement: CYBA is on the minus strand). VCF-style: chr16-88646774-G-A. GRCh37 (hg19) VCF-style: chr16-88713182-G-A.
Other names: c.268C>T (LRG_52t1); short protein forms R90W.
Identifiers: ClinVar variation 68211 (VCV000068211.19), dbSNP rs179363892, ClinGen allele CA219176.